The following is an entry in ClinVar:

ClinVar aggregate classification (germline): Likely pathogenic (1 of 4 stars; one submission).

Conditions:
Autosomal recessive limb-girdle muscular dystrophy type 2J (LGMDR10). Also called: Limb-girdle muscular dystrophy, type 2J; MUSCULAR DYSTROPHY, LIMB-GIRDLE, AUTOSOMAL RECESSIVE 10. Identifiers: Orphanet 140922, MedGen C1837342, MONDO:0012127, OMIM 608807.
Dilated cardiomyopathy 1G (CMD1G). Identifiers: Orphanet 154, MedGen C1858763, MONDO:0011400, OMIM 604145.

Submission:

Labcorp Genetics (formerly Invitae), Labcorp
Classification: Likely pathogenic for Dilated cardiomyopathy 1G; Autosomal recessive limb-girdle muscular dystrophy type 2J. Last evaluated: 2025-08-17. Review status: criteria provided, single submitter. Criteria: Invitae Variant Classification Sherloc (09022015). Collection method: clinical testing. Allele origin: germline.
Comment: This sequence change affects a donor splice site in intron 207 of the TTN gene. It is expected to disrupt RNA splicing and likely results in a truncated or disrupted TTN protein. This variant is not present in population databases (gnomAD no frequency). This variant has not been reported in the literature in individuals affected with TTN-related conditions. Algorithms developed to predict the effect of sequence changes on RNA splicing suggest that this variant may disrupt the consensus splice site. This variant is located in the I band of TTN (PMID: 25589632). Truncating variants in this region have been reported in individuals affected with autosomal recessive centronuclear myopathy (PMID: 23975875, internal data). Truncating variants in this region have also been identified in individuals affected with autosomal dominant dilated cardiomyopathy and/or cardio-related conditions (PMID: 27869827, 32964742, internal data). In summary, the currently available evidence indicates that the variant is pathogenic, but additional data are needed to prove that conclusively. Therefore, this variant has been classified as Likely Pathogenic.

Literature cited by the submitters: PubMed 25589632; PubMed 23975875; PubMed 27869827; PubMed 32964742.

NM_001267550.2(TTN):c.39547+1G>C

Gene: TTN (titin; minus strand). Cytogenetic location: 2q31.2.
Variant type: single nucleotide variant.
Coding change: c.39547+1G>C on transcript NM_001267550.2 (MANE Select); the canonical splice donor site of the intron after coding-DNA position 39547, G replaced by C.
Molecular consequence: splice donor variant. On other transcripts: intron variant (3).
Genome position (GRCh38, 1-based): chr2:178,651,452, C>G on the plus strand (G>C on the coding strand, the complement: TTN is on the minus strand). VCF-style: chr2-178651452-C-G. GRCh37 (hg19) VCF-style: chr2-179516179-C-G.
Other names: c.13283-9135G>C (NM_003319.4); c.13859-9135G>C (NM_133437.4); c.13658-9135G>C (NM_133432.3); c.32245+1G>C (NM_133378.4); c.35026+1G>C (NM_001256850.1).
Identifiers: ClinVar variation 4790394 (VCV004790394.1).
Genomic context (GRCh38, chr2:178,651,452, plus strand): 5'-AACCCTTTTAGAAGCTGGGGGCTCCATCCGCCCCCATCAAACAGTGGACAGCCACATATA[C>G]CTTTAGCAGGTGGGGCTTCTGGCTTTTTGGGAACCACCAGAGGCACCTTCTTTTCAGGAA-3'